The following is an entry in ClinVar:

NM_020166.5(MCCC1):c.1210dup (p.His404fs)

Gene: MCCC1 (methylcrotonyl-CoA carboxylase subunit 1; minus strand). Cytogenetic location: 3q27.1.
Variant type: Duplication.
Coding change: c.1210dup on transcript NM_020166.5 (MANE Select); coding-DNA position 1210, one base duplicated (C; older notation c.1210dupC).
Protein change: p.His404fs; shifts the reading frame from histidine 404.
Molecular consequence: frameshift variant. On other transcripts: non-coding transcript variant (2).
Genome position (GRCh38, 1-based): chr3:183,041,624, G duplicated on the plus strand (C on the coding strand, the reverse complement: MCCC1 is on the minus strand). VCF-style (leftmost placement, unchanged base first): chr3-183041623-T-TG. GRCh37 (hg19) VCF-style: chr3-182759411-T-TG.
Other names: c.859dup, p.His287fs (NM_001293273.2); c.883dup, p.His295fs (NM_001363880.1); c.1210dupC (NM_020166.4); short protein forms H404fs, H287fs, H295fs.
Identifiers: ClinVar variation 653099 (VCV000653099.6), dbSNP rs1577276144, ClinGen allele CA915941627.

ClinVar aggregate classification (germline): Pathogenic (1 of 4 stars; one submission).

Conditions:
3-methylcrotonyl-CoA carboxylase 1 deficiency (MCC1D). Also called: MCCD TYPE 1; METHYLCROTONYLGLYCINURIA TYPE I; MCC 1 deficiency; 3 Alpha methylcrotonylglycinuria 1. Identifiers: Orphanet 6, MedGen CN028786, MONDO:0008861, OMIM 210200.

Submission:

Labcorp Genetics (formerly Invitae), Labcorp
Classification: Pathogenic for 3-methylcrotonyl-CoA carboxylase 1 deficiency. Last evaluated: 2018-10-16. Review status: criteria provided, single submitter. Criteria: Invitae Variant Classification Sherloc (09022015). Collection method: clinical testing. Allele origin: germline.
Comment: This sequence change creates a premature translational stop signal (p.His404Profs*14) in the MCCC1 gene. It is expected to result in an absent or disrupted protein product. This variant is not present in population databases (ExAC no frequency). This variant has not been reported in the literature in individuals with MCCC1-related disease. Loss-of-function variants in MCCC1 are known to be pathogenic (PMID: 11181649, 15359379, 22642865). For these reasons, this variant has been classified as Pathogenic.

Literature cited by the submitters: PubMed 11181649; PubMed 15359379; PubMed 22642865.